The following is an entry in ClinVar:

NM_001010874.5(TECRL):c.202C>A (p.Gln68Lys)

Gene: TECRL (trans-2,3-enoyl-CoA reductase like; minus strand). Cytogenetic location: 4q13.1.
Variant type: single nucleotide variant.
Coding change: c.202C>A on transcript NM_001010874.5 (MANE Select); coding-DNA position 202, C replaced by A.
Protein change: p.Gln68Lys; replaces glutamine 68 with lysine.
Molecular consequence: missense variant.
Genome position (GRCh38, 1-based): chr4:64,409,150, G>T on the plus strand (C>A on the coding strand, the complement: TECRL is on the minus strand). VCF-style: chr4-64409150-G-T. GRCh37 (hg19) VCF-style: chr4-65274868-G-T.
Other names: c.202C>A, p.Gln68Lys (NM_001363796.1); short protein forms Q68K.
Identifiers: ClinVar variation 4865411 (VCV004865411.1).

ClinVar aggregate classification (germline): Uncertain significance (1 of 4 stars; one submission).

Conditions:
Cardiovascular phenotype. Identifiers: MedGen CN230736.

gnomAD v4.1: 2 of 1,612,592 alleles (0.00012%); highest among the groups gnomAD compares: South Asian, 0.0022%; no homozygotes.

Submission:

Ambry Genetics
Classification: Uncertain significance for Cardiovascular phenotype. Last evaluated: 2026-04-02. Review status: criteria provided, single submitter. Criteria: Ambry Variant Classification Scheme 2023. Collection method: clinical testing. Allele origin: germline.
Comment: The p.Q68K variant (also known as c.202C>A), located in coding exon 1 of the TECRL gene, results from a C to A substitution at nucleotide position 202. The glutamine at codon 68 is replaced by lysine, an amino acid with similar properties. This amino acid position is conserved. In addition, this alteration is predicted to be tolerated by in silico analysis. Based on the available evidence, the clinical significance of this variant remains unclear.